The following is an entry in ClinVar:

NM_002055.5(GFAP):c.1117G>A (p.Glu373Lys)

Genes: GFAP (glial fibrillary acidic protein; minus strand), LOC130060994 (ATAC-STARR-seq lymphoblastoid active region 12266; plus strand). Cytogenetic location: 17q21.31.
Variant type: single nucleotide variant.
Coding change: c.1117G>A on transcript NM_002055.5 (MANE Select); coding-DNA position 1117, G replaced by A.
Protein change: p.Glu373Lys; replaces glutamic acid 373 with lysine.
Molecular consequence: missense variant.
Genome position (GRCh38, 1-based): chr17:44,911,246, C>T on the plus strand (G>A on the coding strand, the complement: GFAP is on the minus strand). VCF-style: chr17-44911246-C-T. GRCh37 (hg19) VCF-style: chr17-42988614-C-T.
Other names: c.1117G>A, p.Glu373Lys (NM_001131019.3, NM_001242376.3, NM_001363846.2); short protein forms E373K.
Identifiers: ClinVar variation 66439 (VCV000066439.6), dbSNP rs58075601, ClinGen allele CA217118.

ClinVar aggregate classification (germline): Pathogenic. Review status: criteria provided, single submitter (1 of 4 stars). 3 submissions from 3 submitters: Pathogenic (1). 2 of the submissions do not count toward it. Last evaluated 2019-08-09.

Conditions:
Alexander disease (ALXDRD). Also called: Alexander's disease. Identifiers: Orphanet 58, MedGen C0270726, MONDO:0008752, OMIM 203450.

Submissions (3):

GeneDx
Classification: Pathogenic. Last evaluated: 2019-08-09. Review status: criteria provided, single submitter. Criteria: GeneDx Variant Classification Process June 2021. Collection method: clinical testing. Allele origin: germline. Affected: yes.
Comment: In silico analysis, which includes protein predictors and evolutionary conservation, supports a deleterious effect; Not observed in large population cohorts (Lek et al., 2016); This variant is associated with the following publications: (PMID: 15732097, 22302460, 12801639, 20301351, 12034785, 18402384)

Epithelial Biology;  Institute of Medical Biology, Singapore
No classification provided. Review status: no classification provided. Collection method: not provided. Allele origin: not provided. Not counted in ClinVar's aggregate classification.

GeneReviews
No classification provided. Condition: Alexander disease. Review status: no classification provided. Collection method: literature only. Allele origin: germline. Not counted in ClinVar's aggregate classification.

Literature cited by the submitters: NCBI Bookshelf NBK1172 (cited by GeneReviews); PubMed 18402384 (cited by GeneReviews); PubMed 12034785 (cited by GeneReviews); PubMed 22302460 (cited by GeneReviews); PubMed 15732097 (cited by GeneReviews).